The following is an entry in ClinVar:

ClinVar aggregate classification (germline): Likely benign (1 of 4 stars; one submission).

gnomAD v4.1: 2 of 1,197,258 alleles (0.00017%); highest among the groups gnomAD compares: Non-Finnish European, 0.00011%; no homozygotes.

Submission:

CeGaT Center for Human Genetics Tuebingen
Classification: Likely benign. Last evaluated: 2025-06-01. Review status: criteria provided, single submitter. Criteria: CeGaT Center For Human Genetics Tuebingen Variant Classification Criteria Version 2. Collection method: clinical testing. Allele origin: germline. Affected: yes. Observed: 1 variant allele.
Comment: AFF2: BP4

NM_002025.4(AFF2):c.2885G>T (p.Cys962Phe)

Gene: AFF2 (ALF transcription elongation factor 2; plus strand). Cytogenetic location: Xq28.
Variant type: single nucleotide variant.
Coding change: c.2885G>T on transcript NM_002025.4 (MANE Select); coding-DNA position 2885, G replaced by T.
Protein change: p.Cys962Phe; replaces cysteine 962 with phenylalanine.
Molecular consequence: missense variant.
Genome position (GRCh38, 1-based): chrX:148,962,909, G>T. VCF-style: chrX-148962909-G-T. GRCh37 (hg19) VCF-style: chrX-148044439-G-T.
Other names: c.2786G>T, p.Cys929Phe (NM_001169122.2); c.2855G>T, p.Cys952Phe (NM_001169123.2); c.2780G>T, p.Cys927Phe (NM_001169124.2); c.2768G>T, p.Cys923Phe (NM_001169125.2); c.1808G>T, p.Cys603Phe (NM_001170628.1); short protein forms C603F, C923F, C927F, C929F, C952F, C962F.
Identifiers: ClinVar variation 4084932 (VCV004084932.8).
Genomic context (GRCh38, chrX:148,962,909, plus strand): 5'-ACATCGCCATGACTGGACAAATCACATCTACCAAACCTAAGAGAACTGAAGGCAAATTCT[G>T]TGCTACTTTCAAAGGGATATCGGTAAATGTAAGCATCTTGGAAGAAATATTATTATTGTC-3'
Protein context (NP_002016.2, residues 952-972): TKPKRTEGKF[Cys962Phe]ATFKGISVNE